The following is an entry in ClinVar:

NM_001267550.2(TTN):c.55541_55542del (p.Tyr18514fs)

Genes: TTN (titin; minus strand), TTN-AS1 (TTN antisense RNA 1; plus strand). Cytogenetic location: 2q31.2.
Variant type: Deletion.
Coding change: c.55541_55542del on transcript NM_001267550.2 (MANE Select); coding-DNA positions 55541 to 55542, 2 bases deleted (AT; older notation c.55541_55542delAT).
Protein change: p.Tyr18514fs; shifts the reading frame from tyrosine 18514.
Molecular consequence: frameshift variant.
Genome position (GRCh38, 1-based): chr2:178,601,455-178,601,456, AT deleted on the plus strand (AT on the coding strand, the reverse complement: TTN is on the minus strand); deleting any 2 consecutive bases within chr2:178,601,455-178,601,457 gives the same sequence; the c. name uses the placement nearest the transcript's 3' end. VCF-style (leftmost placement, unchanged base first): chr2-178601454-CAT-C. GRCh37 (hg19) VCF-style: chr2-179466181-CAT-C.
Other names: c.55541_55542delAT (NM_001267550.2); c.50618_50619del, p.Tyr16873fs (NM_001256850.1); c.28346_28347del, p.Tyr9449fs (NM_003319.4); c.47837_47838del, p.Tyr15946fs (NM_133378.4); c.28721_28722del, p.Tyr9574fs (NM_133432.3); c.28922_28923del, p.Tyr9641fs (NM_133437.4); short protein forms Y16873fs, Y18514fs, Y9449fs, Y9574fs, Y15946fs, Y9641fs.
Identifiers: ClinVar variation 638008 (VCV000638008.3), dbSNP rs1218695159, ClinGen allele CA761290855.

ClinVar aggregate classification (germline): Likely pathogenic. Review status: criteria provided, multiple submitters, no conflicts (2 of 4 stars). 2 submissions from 2 submitters: Likely pathogenic (2). Last evaluated 2024-05-01.

Conditions:
Autosomal recessive limb-girdle muscular dystrophy type 2J (LGMDR10). Also called: Limb-girdle muscular dystrophy, type 2J; MUSCULAR DYSTROPHY, LIMB-GIRDLE, AUTOSOMAL RECESSIVE 10. Identifiers: Orphanet 140922, MedGen C1837342, MONDO:0012127, OMIM 608807.
Dilated cardiomyopathy 1G (CMD1G). Identifiers: Orphanet 154, MedGen C1858763, MONDO:0011400, OMIM 604145.

Submissions (2):

Labcorp Genetics (formerly Invitae), Labcorp
Classification: Likely pathogenic for Dilated cardiomyopathy 1G; Autosomal recessive limb-girdle muscular dystrophy type 2J. Last evaluated: 2024-05-01. Review status: criteria provided, single submitter. Criteria: Invitae Variant Classification Sherloc (09022015). Collection method: clinical testing. Allele origin: germline.
Comment: This sequence change creates a premature translational stop signal (p.Tyr18514Cysfs*3) in the TTN gene. While this is not anticipated to result in nonsense mediated decay, it is expected to create a truncated TTN protein. This variant is not present in population databases (gnomAD no frequency). This premature translational stop signal has been observed in individual(s) with peripartum cardiomyopathy (PMID: 33874732). ClinVar contains an entry for this variant (Variation ID: 638008). This variant is located in the A band of TTN (PMID: 25589632). Truncating variants in this region are significantly overrepresented in patients affected with dilated cardiomyopathy (PMID: 25589632). Truncating variants in this region have also been reported in individuals affected with autosomal recessive centronuclear myopathy (PMID: 23975875). In summary, the currently available evidence indicates that the variant is pathogenic, but additional data are needed to prove that conclusively. Therefore, this variant has been classified as Likely Pathogenic.

MVZ Martinsried, Medicover Genetics
Classification: Likely pathogenic for Dilated cardiomyopathy 1G. Last evaluated: 2019-03-22. Review status: criteria provided, single submitter. Criteria: ACMG Guidelines, 2015. Collection method: clinical testing. Allele origin: unknown. Affected: yes.

Literature cited by the submitters: PubMed 33874732 (cited by Labcorp Genetics (formerly Invitae), Labcorp); PubMed 25589632 (cited by Labcorp Genetics (formerly Invitae), Labcorp); PubMed 23975875 (cited by Labcorp Genetics (formerly Invitae), Labcorp).